The following is an entry in ClinVar:

ClinVar aggregate classification (germline): Pathogenic (1 of 4 stars; one submission).

Conditions:
Familial melanoma. Also called: Hereditary melanoma; Hereditary cutaneous melanoma. Identifiers: Orphanet 618, MedGen C1512419, MONDO:0018961.

Submission:

Labcorp Genetics (formerly Invitae), Labcorp
Classification: Pathogenic for Hereditary cutaneous melanoma. Last evaluated: 2019-05-01. Review status: criteria provided, single submitter. Criteria: Invitae Variant Classification Sherloc (09022015). Collection method: clinical testing. Allele origin: germline.
Comment: The CDKN2A gene encodes two different proteins, p16INK4a and p14ARF, which are translated from alternative transcripts that have different open reading frames. This variant is a gross deletion of the genomic region encompassing exon 1 of the CDKN2A (p14ARF) transcript, also known as exon 1 of the CDKN2A gene. This exon includes the initiator codon of p14ARF. The 5' end of this event is unknown as it extends beyond the assayed region for this gene and therefore may encompass additional genes. The 3' boundary is likely confined to the intronic region between exon 1 and exon 1 of the CDKN2A (p16INK4a) transcript, and therefore is not expected to disrupt the coding sequence of p16INK4a. Distinct deletions of exon 1 have been reported to segregate with disease in multiple families affected with melanoma and nervous system tumors (PMID: 11136714, 16032697, 15937071). The penetrance of these deletions with respect to nervous system tumors (NST) is uncertain, however, as most carriers had no NST manifestations at the time of these reports. Loss-of-function variants in CDKN2A (p14ARF) are known to be pathogenic (PMID: 11571653, 15856016, 17440112). For these reasons, this variant has been classified as Pathogenic.

Literature cited by the submitters: PubMed 11136714; PubMed 17440112; PubMed 15856016; PubMed 15937071; PubMed 16032697; PubMed 11571653.

NC_000009.12:g.(?_21994129)_(21994341_?)del

Gene: CDKN2A (cyclin dependent kinase inhibitor 2A; minus strand). Cytogenetic location: 9p21.3.
Variant type: Deletion.
Identifiers: ClinVar variation 657920 (VCV000657920.2).